The following is an entry in ClinVar:

ClinVar aggregate classification (germline): Uncertain significance. Review status: criteria provided, multiple submitters, no conflicts (2 of 4 stars). 2 submissions from 2 submitters: Uncertain significance (2). Last evaluated 2024-01-08.

Conditions:
Cardiovascular phenotype. Identifiers: MedGen CN230736.
Long QT syndrome (LQTS). Identifiers: MedGen C0023976, MeSH D008133, MONDO:0002442. Disease mechanism: loss of function. Inheritance: Various modes of inheritance.

Submissions (2):

Dept of Medical Biology, Uskudar University
Classification: Uncertain significance for Long QT syndrome. Last evaluated: 2024-01-08. Review status: criteria provided, single submitter. Criteria: Dept of Medical Biology Variant Classification. Collection method: research. Allele origin: paternal. Affected: yes. Observed: 1 variant allele.
Comment: Criteria: PM2, BP4

Ambry Genetics
Classification: Uncertain significance for Cardiovascular phenotype. Last evaluated: 2023-11-01. Review status: criteria provided, single submitter. Criteria: Ambry Variant Classification Scheme 2023. Collection method: clinical testing. Allele origin: germline.
Comment: The p.S3039R variant (also known as c.9117T>G), located in coding exon 37 of the AKAP9 gene, results from a T to G substitution at nucleotide position 9117. The serine at codon 3039 is replaced by arginine, an amino acid with dissimilar properties. This amino acid position is conserved. In addition, this alteration is predicted to be tolerated by in silico analysis. Since supporting evidence is limited at this time, the clinical significance of this alteration remains unclear.

NM_005751.5(AKAP9):c.9117T>G (p.Ser3039Arg)

Gene: AKAP9 (A-kinase anchoring protein 9; plus strand). Cytogenetic location: 7q21.2.
Variant type: single nucleotide variant.
Coding change: c.9117T>G on transcript NM_005751.5 (MANE Select); coding-DNA position 9117, T replaced by G.
Protein change: p.Ser3039Arg; replaces serine 3039 with arginine.
Molecular consequence: missense variant.
Genome position (GRCh38, 1-based): chr7:92,086,320, T>G. VCF-style: chr7-92086320-T-G. GRCh37 (hg19) VCF-style: chr7-91715634-T-G.
Other names: c.3762T>G, p.Ser1254Arg (NM_001379277.1); c.9093T>G, p.Ser3031Arg (NM_147185.3); short protein forms S1254R, S3031R, S3039R.
Identifiers: ClinVar variation 2574016 (VCV002574016.4), dbSNP rs2535269498, ClinGen allele CA368143723.